The following is an entry in ClinVar:

NM_015447.4(CAMSAP1):c.4734C>T (p.Asp1578=)

Gene: CAMSAP1 (calmodulin regulated spectrin associated protein 1; minus strand). Cytogenetic location: 9q34.3.
Variant type: single nucleotide variant.
Coding change: c.4734C>T on transcript NM_015447.4 (MANE Select); coding-DNA position 4734, C replaced by T.
Protein change: p.Asp1578=; no amino-acid change (aspartic acid 1578 retained).
Molecular consequence: synonymous variant.
Genome position (GRCh38, 1-based): chr9:135,811,384, G>A on the plus strand (C>T on the coding strand, the complement: CAMSAP1 is on the minus strand). VCF-style: chr9-135811384-G-A. GRCh37 (hg19) VCF-style: chr9-138703230-G-A.
Other names: c.3900C>T, p.Asp1300= (NM_001411031.1); c.4767C>T, p.Asp1589= (NM_001437279.1); c.4302C>T, p.Asp1434= (NM_001437280.1); c.4137C>T, p.Asp1379= (NM_001437281.1).
Identifiers: ClinVar variation 4083909 (VCV004083909.8).

ClinVar aggregate classification (germline): Likely benign (1 of 4 stars; one submission).

gnomAD v4.1: 1,048 of 1,612,702 alleles (0.065%); highest among the groups gnomAD compares: African/African-American, 0.12%; 1 homozygote.

Submission:

CeGaT Center for Human Genetics Tuebingen
Classification: Likely benign. Last evaluated: 2026-07-01. Review status: criteria provided, single submitter. Criteria: CeGaT Center For Human Genetics Tuebingen Variant Classification Criteria Version 2. Collection method: clinical testing. Allele origin: germline. Affected: yes. Observed: 3 variant alleles.
Comment: CAMSAP1: BP4, BP7